The following is an entry in ClinVar:

ClinVar aggregate classification (germline): Likely benign (1 of 4 stars; one submission).

Allele frequency attached by ClinVar (database versions not stated): gnomAD exomes below 0.00001.
gnomAD v4.1: 1 of 1,199,071 alleles (0.000083%); highest among the groups gnomAD compares: Non-Finnish European, 0.00011%; no homozygotes.

Submission:

CeGaT Center for Human Genetics Tuebingen
Classification: Likely benign. Last evaluated: 2022-10-01. Review status: criteria provided, single submitter. Criteria: CeGaT Center For Human Genetics Tuebingen Variant Classification Criteria Version 2. Collection method: clinical testing. Allele origin: germline. Affected: yes. Observed: 1 variant allele.
Comment: HS6ST2: BP7

NM_001394073.1(HS6ST2):c.237G>A (p.Ala79=)

Gene: HS6ST2 (heparan sulfate 6-O-sulfotransferase 2; minus strand). Cytogenetic location: Xq26.2.
Variant type: single nucleotide variant.
Coding change: c.237G>A on transcript NM_001394073.1 (MANE Select); coding-DNA position 237, G replaced by A.
Protein change: p.Ala79=; no amino-acid change (alanine 79 retained).
Molecular consequence: synonymous variant.
Genome position (GRCh38, 1-based): chrX:132,958,366, C>T on the plus strand (G>A on the coding strand, the complement: HS6ST2 is on the minus strand). VCF-style: chrX-132958366-C-T. GRCh37 (hg19) VCF-style: chrX-132092394-C-T.
Other names: c.237G>A, p.Ala79= (NM_001077188.2, NM_001394074.1, NM_147175.4).
Identifiers: ClinVar variation 2661457 (VCV002661457.24), dbSNP rs1384043599, ClinGen allele CA518849857.